The following is an entry in ClinVar:

ClinVar aggregate classification (germline): Uncertain significance (1 of 4 stars; one submission).

Conditions:
Tuberous sclerosis 2 (TSC2). Identifiers: Orphanet 805, MedGen C1860707, MONDO:0013199, OMIM 613254.

gnomAD v4.1: 1 of 1,598,266 alleles (0.000063%); no homozygotes.

Submission:

Labcorp Genetics (formerly Invitae), Labcorp
Classification: Uncertain significance for Tuberous sclerosis 2. Last evaluated: 2022-04-01. Review status: criteria provided, single submitter. Criteria: Invitae Variant Classification Sherloc (09022015). Collection method: clinical testing. Allele origin: germline.
Comment: This variant has not been reported in the literature in individuals affected with TSC2-related conditions. In summary, the available evidence is currently insufficient to determine the role of this variant in disease. Therefore, it has been classified as a Variant of Uncertain Significance. Advanced modeling of protein sequence and biophysical properties (such as structural, functional, and spatial information, amino acid conservation, physicochemical variation, residue mobility, and thermodynamic stability) performed at Invitae indicates that this missense variant is not expected to disrupt TSC2 protein function. This variant is not present in population databases (gnomAD no frequency). This sequence change replaces serine, which is neutral and polar, with threonine, which is neutral and polar, at codon 1341 of the TSC2 protein (p.Ser1341Thr).

NM_000548.5(TSC2):c.4022G>C (p.Ser1341Thr)

Gene: TSC2 (TSC complex subunit 2; plus strand). Cytogenetic location: 16p13.3.
Variant type: single nucleotide variant.
Coding change: c.4022G>C on transcript NM_000548.5 (MANE Select); coding-DNA position 4022, G replaced by C.
Protein change: p.Ser1341Thr; replaces serine 1341 with threonine.
Molecular consequence: missense variant.
Genome position (GRCh38, 1-based): chr16:2,084,244, G>C. VCF-style: chr16-2084244-G-C. GRCh37 (hg19) VCF-style: chr16-2134245-G-C.
Other names: c.3821G>C, p.Ser1274Thr (NM_001077183.3); c.3953G>C, p.Ser1318Thr (NM_001114382.3); c.3914G>C, p.Ser1305Thr (NM_001406667.1); c.3911G>C, p.Ser1304Thr (NM_001406668.1); c.3842G>C, p.Ser1281Thr (NM_001406670.1); c.3812G>C, p.Ser1271Thr (NM_001406671.1); c.3809G>C, p.Ser1270Thr (NM_001406673.1); c.3806G>C, p.Ser1269Thr (NM_001406675.1); and 26 more; short protein forms S1075T, S1141T, S1281T, S1305T, S1340T, S740T, S826T, S1097T.
Identifiers: ClinVar variation 2075934 (VCV002075934.4), dbSNP rs1451479803, ClinGen allele CA394299202.